The following is an entry in ClinVar:

NM_020184.4(CNNM4):c.1984_1991dup (p.Leu665fs)

Gene: CNNM4 (cyclin and CBS domain divalent metal cation transport mediator 4; plus strand). Cytogenetic location: 2q11.2.
Variant type: Duplication.
Coding change: c.1984_1991dup on transcript NM_020184.4 (MANE Select); coding-DNA positions 1984 to 1991, 8 bases duplicated (TCAGCCTC; older notation c.1984_1991dupTCAGCCTC).
Protein change: p.Leu665fs; shifts the reading frame from leucine 665.
Molecular consequence: frameshift variant.
Genome position (GRCh38, 1-based): chr2:96,808,596-96,808,603, TCAGCCTC duplicated; duplicating any 8 consecutive bases within chr2:96,808,595-96,808,603 gives the same sequence; the c. name uses the placement nearest the transcript's 3' end. VCF-style (leftmost placement, unchanged base first): chr2-96808594-G-GCTCAGCCT. GRCh37 (hg19) VCF-style: chr2-97474331-G-GCTCAGCCT.
Other names: short protein forms L665fs.
Identifiers: ClinVar variation 5006349 (VCV005006349.2).

ClinVar aggregate classification (germline): Likely pathogenic (1 of 4 stars; one submission).

Conditions:
Jalili syndrome. Also called: CONE-ROD DYSTROPHY AND AMELOGENESIS IMPERFECTA. Identifiers: Orphanet 1873, MedGen C3495589, MONDO:0009007, OMIM 217080.

Submission:

Juno Genomics, Hangzhou Juno Genomics, Inc
Classification: Likely pathogenic for Jalili syndrome. Review status: criteria provided, single submitter. Criteria: ACMG Guidelines, 2015. Collection method: clinical testing. Allele origin: germline.
Comment: Null variant in a gene where loss of function (LOF) is a known mechanism of disease.;Absent from controls (or at extremely low frequency if recessive) in Genome Aggregation Database.